The following is an entry in ClinVar:

ClinVar aggregate classification (germline): Likely pathogenic. Review status: criteria provided, multiple submitters, no conflicts (2 of 4 stars). 3 submissions from 3 submitters: Likely pathogenic (3). Last evaluated 2026-08-05.

Conditions:
Lynch syndrome 5 (LYNCH5). Also called: Hereditary non-polyposis colorectal cancer, type 5; Colorectal cancer, hereditary nonpolyposis, type 5. Identifiers: Orphanet 144, MedGen C1833477, MONDO:0013710, OMIM 614350. Disease mechanism: loss of function.
Hereditary cancer-predisposing syndrome. Also called: Hereditary neoplastic syndrome; Neoplastic Syndromes, Hereditary; Tumor predisposition; Hereditary Cancer Syndrome. Identifiers: Orphanet 140162, MedGen C0027672, MeSH D009386, MONDO:0015356.

Submissions (3):

Ambry Genetics
Classification: Likely pathogenic for Hereditary cancer-predisposing syndrome. Last evaluated: 2026-08-05. Review status: criteria provided, single submitter. Criteria: Ambry Variant Classification Scheme 2023. Collection method: clinical testing. Allele origin: germline.
Comment: The p.F432L variant (also known as c.1294T>C), located in coding exon 4 of the MSH6 gene, results from a T to C substitution at nucleotide position 1294. The phenylalanine at codon 432 is replaced by leucine, an amino acid with highly similar properties. In one functional study, this variant demonstrated deficient mismatch repair activity in an in vitro complementation assay (Drost M et al. Genet Med, 2020 05;22:847-856). Based on internal structural assessment, this variant impairs formation of a specific interaction with mismatched DNA (Ambry internal data; Warren JJ et al. Mol Cell, 2007 May;26:579-92). This variant was not reported in population-based cohorts in the Genome Aggregation Database (gnomAD). This amino acid position is highly conserved in available vertebrate species. In addition, this alteration is predicted to be deleterious by in silico analysis. Based on the majority of available evidence to date, this variant is likely to be pathogenic.

CeGaT Center for Human Genetics Tuebingen
Classification: Likely pathogenic. Last evaluated: 2026-01-01. Review status: criteria provided, single submitter. Criteria: CeGaT Center For Human Genetics Tuebingen Variant Classification Criteria Version 2. Collection method: clinical testing. Allele origin: germline. Affected: yes. Observed: 1 variant allele.
Comment: MSH6: PS1, PM2, PM5:Supporting, PP3

Myriad Genetics, Inc.
Classification: Likely pathogenic for Lynch syndrome 5. Last evaluated: 2024-12-19. Review status: criteria provided, single submitter. Criteria: Myriad Autosomal Dominant, Autosomal Recessive and X-Linked Classification Criteria (2023). Collection method: clinical testing. Allele origin: unknown.
Comment: This variant is considered likely pathogenic. Functional studies indicate this variant impacts protein function [PMID: 31965077]. This variant is expected to disrupt protein structure [Myriad internal data].

Literature cited by the submitters: PubMed 17531815 (cited by Ambry Genetics); PubMed 31965077 (cited by Ambry Genetics and Myriad Genetics, Inc.); PubMed 34115236 (cited by Ambry Genetics); PubMed 37743058 (cited by Ambry Genetics).

NM_000179.3(MSH6):c.1294T>C (p.Phe432Leu)

Gene: MSH6 (mutS homolog 6; plus strand). Cytogenetic location: 2p16.3.
Variant type: single nucleotide variant.
Coding change: c.1294T>C on transcript NM_000179.3 (MANE Select); coding-DNA position 1294, T replaced by C.
Protein change: p.Phe432Leu; replaces phenylalanine 432 with leucine.
Molecular consequence: missense variant.
Genome position (GRCh38, 1-based): chr2:47,799,277, T>C. VCF-style: chr2-47799277-T-C. GRCh37 (hg19) VCF-style: chr2-48026416-T-C.
Other names: c.997T>C, p.Phe333Leu (NM_001406805.1, NM_001406797.1, NM_001406801.1 and 10 more transcripts); c.769T>C, p.Phe257Leu (NM_001406806.1, NM_001406807.1, NM_001406799.1); c.1294T>C, p.Phe432Leu (NM_001406808.1, NM_001406809.1, NM_001406796.1 and 4 more transcripts); c.388T>C, p.Phe130Leu (NM_001406811.1, NM_001406812.1, NM_001406814.1 and 6 more transcripts); c.1300T>C, p.Phe434Leu (NM_001406813.1); c.904T>C, p.Phe302Leu (NM_001281492.2); c.1390T>C, p.Phe464Leu (NM_001406795.1, NM_001406802.1); c.1216T>C, p.Phe406Leu (NM_001406804.1); and 1 more; short protein forms F302L, F432L, F130L, F257L, F333L, F376L, F406L, F434L.
Identifiers: ClinVar variation 1769181 (VCV001769181.8), dbSNP rs2104334088, ClinGen allele CA346744219.